The following is an entry in ClinVar:

NM_003001.5(SDHC):c.385T>C (p.Trp129Arg)

Gene: SDHC (succinate dehydrogenase complex subunit C; plus strand). Cytogenetic location: 1q23.3.
Variant type: single nucleotide variant.
Coding change: c.385T>C on transcript NM_003001.5 (MANE Select); coding-DNA position 385, T replaced by C.
Protein change: p.Trp129Arg; replaces tryptophan 129 with arginine.
Molecular consequence: missense variant. On other transcripts: non-coding transcript variant (1), intron variant (3).
Genome position (GRCh38, 1-based): chr1:161,356,820, T>C. VCF-style: chr1-161356820-T-C. GRCh37 (hg19) VCF-style: chr1-161326610-T-C.
Other names: c.283T>C, p.Trp95Arg (NM_001035512.3); c.226T>C, p.Trp76Arg (NM_001035513.3); c.505T>C, p.Trp169Arg (NM_001407115.1); c.328T>C, p.Trp110Arg (NM_001407116.1); c.322T>C, p.Trp108Arg (NM_001407117.1); c.277T>C, p.Trp93Arg (NM_001407118.1); c.274T>C, p.Trp92Arg (NM_001407119.1, NM_001407120.1); c.242-5509T>C (NM_001035511.3); and 2 more; short protein forms W129R, W76R, W95R, W108R, W93R, W110R, W169R, W92R.
Identifiers: ClinVar variation 1414418 (VCV001414418.9), dbSNP rs541278701, ClinGen allele CA343456704.

ClinVar aggregate classification (germline): Uncertain significance (1 of 4 stars; one submission).

Conditions:
Pheochromocytoma/paraganglioma syndrome 3. Also called: GLOMUS TUMORS, FAMILIAL, 3; Paragangliomas 3; SDHC-Related Hereditary Paraganglioma-Pheochromocytoma Syndrome (Paragangliomas 3); SDHC-Related Hereditary Paraganglioma-Pheochromocytoma Syndrome. Identifiers: Orphanet 29072, MedGen C1854336, MONDO:0011544, OMIM 605373.
Gastrointestinal stromal tumor. Also called: Gastrointestinal stroma tumor; Gastrointestinal stromal tumor, somatic. Identifiers: Orphanet 44890, MedGen C0238198, MeSH D046152, MONDO:0011719, OMIM 606764, HP:0100723.

Allele frequency attached by ClinVar (database versions not stated): gnomAD exomes below 0.00001.
gnomAD v4.1: 1 of 1,614,176 alleles (0.000062%); highest among the groups gnomAD compares: Non-Finnish European, 0.000085%; no homozygotes.

Submission:

Labcorp Genetics (formerly Invitae), Labcorp
Classification: Uncertain significance for Pheochromocytoma/paraganglioma syndrome 3; Gastrointestinal stromal tumor. Last evaluated: 2022-08-10. Review status: criteria provided, single submitter. Criteria: Invitae Variant Classification Sherloc (09022015). Collection method: clinical testing. Allele origin: germline.
Comment: This variant has not been reported in the literature in individuals affected with SDHC-related conditions. ClinVar contains an entry for this variant (Variation ID: 1414418). Algorithms developed to predict the effect of missense changes on protein structure and function are either unavailable or do not agree on the potential impact of this missense change (SIFT: "Tolerated"; PolyPhen-2: "Probably Damaging"; Align-GVGD: "Class C0"). In summary, the available evidence is currently insufficient to determine the role of this variant in disease. Therefore, it has been classified as a Variant of Uncertain Significance. This variant is not present in population databases (gnomAD no frequency). This sequence change replaces tryptophan, which is neutral and slightly polar, with arginine, which is basic and polar, at codon 129 of the SDHC protein (p.Trp129Arg).